The following is an entry in ClinVar:

ClinVar aggregate classification (germline): Uncertain significance. Review status: criteria provided, multiple submitters, no conflicts (2 of 4 stars). 2 submissions from 2 submitters: Uncertain significance (2). Last evaluated 2025-11-17.

Conditions:
Inborn genetic diseases. Identifiers: MedGen C0950123, MeSH D030342.
Primary open angle glaucoma (POAG). Also called: OPTN-related open angle glaucoma. Identifiers: MedGen C0339573, MONDO:0100553, OMIM 137760.
Amyotrophic lateral sclerosis type 12 (ALS12). Also called: AMYOTROPHIC LATERAL SCLEROSIS 12 WITH OR WITHOUT FRONTOTEMPORAL DEMENTIA. Identifiers: Orphanet 803, MedGen C3150692, MONDO:0013264, OMIM 613435.
Glaucoma 1, open angle, E. Identifiers: MedGen C1842026, MONDO:0007665.

Allele frequency attached by ClinVar (database versions not stated): ExAC 0.00001.
gnomAD v4.1: 18 of 1,613,034 alleles (0.0011%); highest among the groups gnomAD compares: Non-Finnish European, 0.0015%; no homozygotes.

Submissions (2):

Ambry Genetics
Classification: Uncertain significance for Inborn genetic diseases. Last evaluated: 2025-11-17. Review status: criteria provided, single submitter. Criteria: Ambry Variant Classification Scheme 2023. Collection method: clinical testing. Allele origin: germline.

Labcorp Genetics (formerly Invitae), Labcorp
Classification: Uncertain significance for Primary open angle glaucoma; Glaucoma 1, open angle, E; Amyotrophic lateral sclerosis type 12. Last evaluated: 2022-11-08. Review status: criteria provided, single submitter. Criteria: Invitae Variant Classification Sherloc (09022015). Collection method: clinical testing. Allele origin: germline.
Comment: This sequence change replaces asparagine, which is neutral and polar, with lysine, which is basic and polar, at codon 503 of the OPTN protein (p.Asn503Lys). In summary, the available evidence is currently insufficient to determine the role of this variant in disease. Therefore, it has been classified as a Variant of Uncertain Significance. Advanced modeling of protein sequence and biophysical properties (such as structural, functional, and spatial information, amino acid conservation, physicochemical variation, residue mobility, and thermodynamic stability) performed at Invitae indicates that this missense variant is not expected to disrupt OPTN protein function. This variant has not been reported in the literature in individuals affected with OPTN-related conditions. This variant is present in population databases (rs769148305, gnomAD 0.004%).

NM_001008212.2(OPTN):c.1509T>G (p.Asn503Lys)

Gene: OPTN (optineurin; plus strand). Cytogenetic location: 10p13.
Variant type: single nucleotide variant.
Coding change: c.1509T>G on transcript NM_001008212.2 (MANE Select); coding-DNA position 1509, T replaced by G.
Protein change: p.Asn503Lys; replaces asparagine 503 with lysine.
Molecular consequence: missense variant.
Genome position (GRCh38, 1-based): chr10:13,132,174, T>G. VCF-style: chr10-13132174-T-G. GRCh37 (hg19) VCF-style: chr10-13174174-T-G.
Other names: c.1509T>G, p.Asn503Lys (NM_001008211.1, NM_001008213.1, NM_021980.4); short protein forms N503K.
Identifiers: ClinVar variation 2926100 (VCV002926100.4), dbSNP rs769148305, ClinGen allele CA5410980.